The following is an entry in ClinVar:

ClinVar aggregate classification (germline): Conflicting classifications of pathogenicity. Review status: criteria provided, conflicting classifications (1 of 4 stars). 7 submissions from 7 submitters: Uncertain significance (1); Likely benign (6). Last evaluated 2026-02-01.

Conditions:
Epidermolysis bullosa simplex, Ogna type (EBS5A). Also called: Pidermolysis bullosa simplex 5A, Ogna type; EPIDERMOLYSIS BULLOSA SIMPLEX 5A, OGNA TYPE. Identifiers: Orphanet 79401, MedGen C0432317, MONDO:0007555, OMIM 131950.
Epidermolysis bullosa simplex with nail dystrophy (EBS5D). Identifiers: MedGen C4225309, MONDO:0014661, OMIM 616487.
Autosomal recessive limb-girdle muscular dystrophy type 2Q (LGMDR17). Also called: MUSCULAR DYSTROPHY, LIMB-GIRDLE, AUTOSOMAL RECESSIVE 17. Identifiers: Orphanet 254361, MedGen C3150989, MONDO:0013390, OMIM 613723.
Epidermolysis bullosa simplex 5C, with pyloric atresia (EBS5C). Also called: Epidermolysis bullosa simplex with pyloric atresia; PLEC1-Related Epidermolysis Bullosa with Pyloric Atresia; PLEC-Related Epidermolysis Bullosa with Pyloric Atresia. Identifiers: Orphanet 158684, MedGen C2677349, MONDO:0012807, OMIM 612138.
Epidermolysis bullosa simplex 5B, with muscular dystrophy (EBS5B). Also called: Epidermolysis bullosa simplex with muscular dystrophy; EPIDERMOLYSIS BULLOSA SIMPLEX AND LIMB-GIRDLE MUSCULAR DYSTROPHY. Identifiers: Orphanet 257, MedGen C2931072, MONDO:0009181, OMIM 226670.
Inborn genetic diseases. Identifiers: MedGen C0950123, MeSH D030342.

Allele frequency attached by ClinVar (database versions not stated): ExAC 0.00004; gnomAD 0.00006 and 0.00007; gnomAD exomes 0.00006 and 0.00011; TOPMed 0.00008.
gnomAD v4.1: 170 of 1,597,154 alleles (0.011%); highest among the groups gnomAD compares: Non-Finnish European, 0.014%; 1 homozygote.

Submissions (7):

CeGaT Center for Human Genetics Tuebingen
Classification: Likely benign. Last evaluated: 2026-02-01. Review status: criteria provided, single submitter. Criteria: CeGaT Center For Human Genetics Tuebingen Variant Classification Criteria Version 2. Collection method: clinical testing. Allele origin: germline. Affected: yes. Observed: 2 variant alleles.
Comment: PLEC: BP4, BP7

Labcorp Genetics (formerly Invitae), Labcorp
Classification: Likely benign for Autosomal recessive limb-girdle muscular dystrophy type 2Q; Epidermolysis bullosa simplex, Ogna type; Epidermolysis bullosa simplex with nail dystrophy; Epidermolysis bullosa simplex 5C, with pyloric atresia; Epidermolysis bullosa simplex 5B, with muscular dystrophy. Last evaluated: 2025-12-20. Review status: criteria provided, single submitter. Criteria: Invitae Variant Classification Sherloc (09022015). Collection method: clinical testing. Allele origin: germline.

Mayo Clinic Laboratories, Mayo Clinic
Classification: Likely benign. Last evaluated: 2025-08-14. Review status: criteria provided, single submitter. Criteria: ACMG Guidelines, 2015. Collection method: clinical testing. Allele origin: germline. Observed: 1 variant allele.
Comment: BP4, BP7

Ambry Genetics
Classification: Likely benign for Inborn genetic diseases. Last evaluated: 2025-03-25. Review status: criteria provided, single submitter. Criteria: Ambry Variant Classification Scheme 2023. Collection method: clinical testing. Allele origin: germline.

Blueprint Genetics
Classification: Likely benign. Last evaluated: 2023-07-19. Review status: criteria provided, single submitter. Criteria: ACMG Guidelines, 2015. Collection method: clinical testing. Allele origin: germline.

GeneDx
Classification: Likely benign. Last evaluated: 2016-08-08. Review status: criteria provided, single submitter. Criteria: GeneDx Variant Classification (06012015). Collection method: clinical testing. Allele origin: germline. Affected: yes.
Comment: This variant is considered likely benign or benign based on one or more of the following criteria: it is a conservative change, it occurs at a poorly conserved position in the protein, it is predicted to be benign by multiple in silico algorithms, and/or has population frequency not consistent with disease.

Eurofins Ntd Llc (ga)
Classification: Uncertain significance. Last evaluated: 2015-08-26. Review status: criteria provided, single submitter. Criteria: EGL Classification Definitions 2015. Collection method: clinical testing. Allele origin: germline. Observed: 2 variant alleles, 2 heterozygotes.

Literature cited by the submitters: PubMed 33057194 (cited by Mayo Clinic Laboratories, Mayo Clinic); PubMed 35982159 (cited by Mayo Clinic Laboratories, Mayo Clinic).

NM_201384.3(PLEC):c.3186G>A (p.Thr1062=)

Gene: PLEC (plectin; minus strand). Cytogenetic location: 8q24.3.
Variant type: single nucleotide variant.
Coding change: c.3186G>A on transcript NM_201384.3 (MANE Select); coding-DNA position 3186, G replaced by A.
Protein change: p.Thr1062=; no amino-acid change (threonine 1062 retained).
Molecular consequence: synonymous variant.
Genome position (GRCh38, 1-based): chr8:143,929,177, C>T on the plus strand (G>A on the coding strand, the complement: PLEC is on the minus strand). VCF-style: chr8-143929177-C-T. GRCh37 (hg19) VCF-style: chr8-145003345-C-T.
Other names: p.Thr1089=; c.3267G>A, p.Thr1089= (NM_000445.5); c.3144G>A, p.Thr1048= (NM_201378.4); c.3120G>A, p.Thr1040= (NM_201379.3); c.3597G>A, p.Thr1199= (NM_201380.4); c.3090G>A, p.Thr1030= (NM_201381.3); c.3186G>A, p.Thr1062= (NM_201382.4); c.3198G>A, p.Thr1066= (NM_201383.3).
Identifiers: ClinVar variation 282884 (VCV000282884.57), dbSNP rs782437578, ClinGen allele CA4927178.
Genomic context (GRCh38, chr8:143,929,177, plus strand): 5'-GGCAGACAGGCTGCGGACCTGCTCCAGCTTGCCCAGCGTCAGCTCCAGCTCCGAGCGCAG[C>T]GTGGGGGCCGCAGGCGATGGCTCTGGTAGGGCCAAGACCTTCTCGGCCTCGGCAGAGAGC-3'
Protein context (NP_958786.1, residues 1052-1072): ALPEPSPAAP[Thr1062=]LRSELELTLG